The following is an entry in ClinVar:

NM_031308.4(EPPK1):c.3462C>T (p.Thr1154=)

Gene: EPPK1 (epiplakin 1; minus strand). Cytogenetic location: 8q24.3.
Variant type: single nucleotide variant.
Coding change: c.3462C>T on transcript NM_031308.4 (MANE Select); coding-DNA position 3462, C replaced by T.
Protein change: p.Thr1154=; no amino-acid change (threonine 1154 retained).
Molecular consequence: synonymous variant.
Genome position (GRCh38, 1-based): chr8:143,869,792, G>A on the plus strand (C>T on the coding strand, the complement: EPPK1 is on the minus strand). VCF-style: chr8-143869792-G-A. GRCh37 (hg19) VCF-style: chr8-144943960-G-A.
Identifiers: ClinVar variation 3053162 (VCV003053162.2), dbSNP rs75713435, ClinGen allele CA4922773.

ClinVar aggregate classification (germline): Benign (0 of 4 stars; one submission).

Conditions:
EPPK1-related disorder. Also called: EPPK1-related condition.

Allele frequency attached by ClinVar (database versions not stated): gnomAD exomes 0.00071; ExAC 0.00352; gnomAD 0.00697; ESP Exome Variant Server 0.00759; TOPMed 0.00823; 1000 Genomes Project 0.01018; 1000 Genomes Project 30x 0.01140.
gnomAD v4.1: 2,136 of 1,605,200 alleles (0.13%); highest among the groups gnomAD compares: African/African-American, 2.4%; 28 homozygotes.

Submission:

PreventionGenetics, part of Exact Sciences
Classification: Benign for EPPK1-related condition. Last evaluated: 2021-05-04. Review status: no assertion criteria provided. Collection method: clinical testing. Allele origin: germline.
Comment: This variant is classified as benign based on ACMG/AMP sequence variant interpretation guidelines (Richards et al. 2015 PMID: 25741868, with internal and published modifications).